The following is an entry in ClinVar:

ClinVar aggregate classification (germline): Uncertain significance. Review status: criteria provided, multiple submitters, no conflicts (2 of 4 stars). 2 submissions from 2 submitters: Uncertain significance (2). Last evaluated 2024-05-31.

Allele frequency attached by ClinVar (database versions not stated): ExAC 0.00001; gnomAD 0.00001; gnomAD exomes 0.00001; TOPMed 0.00002.

Submissions (2):

Labcorp Genetics (formerly Invitae), Labcorp
Classification: Uncertain significance. Last evaluated: 2024-05-31. Review status: criteria provided, single submitter. Criteria: Invitae Variant Classification Sherloc (09022015). Collection method: clinical testing. Allele origin: germline.
Comment: This sequence change replaces methionine, which is neutral and non-polar, with threonine, which is neutral and polar, at codon 1466 of the SAMD9L protein (p.Met1466Thr). This variant is present in population databases (rs772700651, gnomAD 0.005%). This variant has not been reported in the literature in individuals affected with SAMD9L-related conditions. ClinVar contains an entry for this variant (Variation ID: 1518244). Advanced modeling of protein sequence and biophysical properties (such as structural, functional, and spatial information, amino acid conservation, physicochemical variation, residue mobility, and thermodynamic stability) has been performed at Invitae for this missense variant, however the output from this modeling did not meet the statistical confidence thresholds required to predict the impact of this variant on SAMD9L protein function. In summary, the available evidence is currently insufficient to determine the role of this variant in disease. Therefore, it has been classified as a Variant of Uncertain Significance.

GeneDx
Classification: Uncertain significance. Last evaluated: 2024-02-28. Review status: criteria provided, single submitter. Criteria: GeneDx Variant Classification Process June 2021. Collection method: clinical testing. Allele origin: germline. Affected: yes.
Comment: Not observed at significant frequency in large population cohorts (gnomAD); In silico analysis supports that this missense variant does not alter protein structure/function; Has not been previously published as pathogenic or benign to our knowledge

NM_152703.5(SAMD9L):c.4397T>C (p.Met1466Thr)

Gene: SAMD9L (sterile alpha motif domain containing 9 like; minus strand). Cytogenetic location: 7q21.2.
Variant type: single nucleotide variant.
Coding change: c.4397T>C on transcript NM_152703.5 (MANE Select); coding-DNA position 4397, T replaced by C.
Protein change: p.Met1466Thr; replaces methionine 1466 with threonine.
Molecular consequence: missense variant.
Genome position (GRCh38, 1-based): chr7:93,131,575, A>G on the plus strand (T>C on the coding strand, the complement: SAMD9L is on the minus strand). VCF-style: chr7-93131575-A-G. GRCh37 (hg19) VCF-style: chr7-92760888-A-G.
Other names: c.4397T>C (NM_152703.3); c.4397T>C, p.Met1466Thr (NM_001303496.3, NM_001303497.3, NM_001303498.3 and 5 more transcripts); short protein forms M1466T.
Identifiers: ClinVar variation 1518244 (VCV001518244.7), dbSNP rs772700651, ClinGen allele CA4343308.